The following is an entry in ClinVar:

NM_003489.4(NRIP1):c.971A>G (p.His324Arg)

Gene: NRIP1 (nuclear receptor interacting protein 1; minus strand). Cytogenetic location: 21q11.2.
Variant type: single nucleotide variant.
Coding change: c.971A>G on transcript NM_003489.4 (MANE Select); coding-DNA position 971, A replaced by G.
Protein change: p.His324Arg; replaces histidine 324 with arginine.
Molecular consequence: missense variant.
Genome position (GRCh38, 1-based): chr21:14,967,222, T>C on the plus strand (A>G on the coding strand, the complement: NRIP1 is on the minus strand). VCF-style: chr21-14967222-T-C. GRCh37 (hg19) VCF-style: chr21-16339543-T-C.
Other names: short protein forms H324R.
Identifiers: ClinVar variation 2617182 (VCV002617182.3), dbSNP rs767671676, ClinGen allele CA9981420.

ClinVar aggregate classification (germline): Uncertain significance. Review status: criteria provided, multiple submitters, no conflicts (2 of 4 stars). 2 submissions from 2 submitters: Uncertain significance (2). Last evaluated 2023-08-08.

Conditions:
Inborn genetic diseases. Identifiers: MedGen C0950123, MeSH D030342.
NRIP1-related disorder. Also called: NRIP1-related condition.

Allele frequency attached by ClinVar (database versions not stated): gnomAD exomes 0.00001; ExAC 0.00002.

Submissions (2):

Ambry Genetics
Classification: Uncertain significance for Inborn genetic diseases. Last evaluated: 2023-08-08. Review status: criteria provided, single submitter. Criteria: Ambry Variant Classification Scheme 2023. Collection method: clinical testing. Allele origin: germline.

PreventionGenetics, part of Exact Sciences
Classification: Uncertain significance for NRIP1-related condition. Last evaluated: 2023-01-04. Review status: criteria provided, single submitter. Criteria: ACMG Guidelines, 2015. Collection method: clinical testing. Allele origin: germline.
Comment: The NRIP1 c.971A>G variant is predicted to result in the amino acid substitution p.His324Arg. To our knowledge, this variant has not been reported in the literature. This variant is reported in 0.016% of alleles in individuals of East Asian descent in gnomAD. At this time, the clinical significance of this variant is uncertain due to the absence of conclusive functional and genetic evidence.